The following is an entry in ClinVar:

ClinVar aggregate classification (germline): Uncertain significance (1 of 4 stars; one submission).

Submission:

CeGaT Center for Human Genetics Tuebingen
Classification: Uncertain significance. Last evaluated: 2022-05-01. Review status: criteria provided, single submitter. Criteria: CeGaT Center For Human Genetics Tuebingen Variant Classification Criteria Version 2. Collection method: clinical testing. Allele origin: germline. Affected: yes. Observed: 1 variant allele.
Comment: RORA: PM2

NM_134261.3(RORA):c.1096A>G (p.Ile366Val)

Genes: RORA (RAR related orphan receptor A; minus strand), RORA-AS1 (RORA antisense RNA 1; plus strand). Cytogenetic location: 15q22.2.
Variant type: single nucleotide variant.
Coding change: c.1096A>G on transcript NM_134261.3 (MANE Select); coding-DNA position 1096, A replaced by G.
Protein change: p.Ile366Val; replaces isoleucine 366 with valine.
Molecular consequence: missense variant.
Genome position (GRCh38, 1-based): chr15:60,502,847, T>C on the plus strand (A>G on the coding strand, the complement: RORA is on the minus strand). VCF-style: chr15-60502847-T-C. GRCh37 (hg19) VCF-style: chr15-60795046-T-C.
Other names: c.1171A>G, p.Ile391Val (NM_002943.4); c.1195A>G, p.Ile399Val (NM_134260.3); c.931A>G, p.Ile311Val (NM_134262.3); short protein forms I311V, I366V, I391V, I399V.
Identifiers: ClinVar variation 1694753 (VCV001694753.31), dbSNP rs547584187, ClinGen allele CA392668244.